The following is an entry in ClinVar:

NM_001013703.4(EIF2AK4):c.1243del (p.Tyr415fs)

Gene: EIF2AK4 (eukaryotic translation initiation factor 2 alpha kinase 4; plus strand). Cytogenetic location: 15q15.1.
Variant type: Deletion.
Coding change: c.1243del on transcript NM_001013703.4 (MANE Select); coding-DNA position 1243, one base deleted (T; older notation c.1243delT).
Protein change: p.Tyr415fs; shifts the reading frame from tyrosine 415.
Molecular consequence: frameshift variant.
Genome position (GRCh38, 1-based): chr15:39,967,569, T deleted; the last of 2 consecutive T bases (chr15:39,967,568-39,967,569); deleting either gives the same sequence. VCF-style (leftmost placement, unchanged base first): chr15-39967567-AT-A. GRCh37 (hg19) VCF-style: chr15-40259768-AT-A.
Other names: c.1243delT (NM_001013703.4); short protein forms Y415fs.
Identifiers: ClinVar variation 1706636 (VCV001706636.3), dbSNP rs1566988788, ClinGen allele CA617556136.
Genomic context (GRCh38, chr15:39,967,567, plus strand): 5'-CAGGCCCCATCCCTGTGCATCAGCTTCGCAGGTACACAGCTCAGCTCCTGTCAGGCCTTG[AT>A]TATCTGCACAGCAATTCTGTGGTGCATAAGGTCCTGAGTGCATCTAATGTCTTGGTGGAT-3'

ClinVar aggregate classification (germline): Pathogenic. Review status: criteria provided, single submitter (1 of 4 stars). 2 submissions from 2 submitters: Pathogenic (1). 1 of the submissions does not count toward it. Last evaluated 2024-11-27.

Conditions:
Pulmonary arterial hypertension. Identifiers: Orphanet 182090, MedGen C2973725, MeSH D000081029, MONDO:0015924, HP:0002092.

Submissions (2):

Labcorp Genetics (formerly Invitae), Labcorp
Classification: Pathogenic. Last evaluated: 2024-11-27. Review status: criteria provided, single submitter. Criteria: Invitae Variant Classification Sherloc (09022015). Collection method: clinical testing. Allele origin: germline.
Comment: This sequence change creates a premature translational stop signal (p.Tyr415Ilefs*12) in the EIF2AK4 gene. It is expected to result in an absent or disrupted protein product. Loss-of-function variants in EIF2AK4 are known to be pathogenic (PMID: 12215525, 24135949, 24292273, 24310610, 28972005, 29743074). This variant is present in population databases (no rsID available, gnomAD 0.006%). This variant has not been reported in the literature in individuals affected with EIF2AK4-related conditions. ClinVar contains an entry for this variant (Variation ID: 1706636). For these reasons, this variant has been classified as Pathogenic.

John Welsh Cardiovascular Diagnostic Laboratory, Baylor College of Medicine
Classification: Pathogenic for Pulmonary arterial hypertension. Last evaluated: 2022-09-26. Review status: no assertion criteria provided. Criteria: ACMG Guidelines, 2015. Collection method: clinical testing. Allele origin: germline. Affected: yes. Not counted in ClinVar's aggregate classification.

Literature cited by the submitters: PubMed 12215525 (cited by Labcorp Genetics (formerly Invitae), Labcorp); PubMed 24135949 (cited by Labcorp Genetics (formerly Invitae), Labcorp); PubMed 24292273 (cited by Labcorp Genetics (formerly Invitae), Labcorp); PubMed 24310610 (cited by Labcorp Genetics (formerly Invitae), Labcorp); PubMed 28972005 (cited by Labcorp Genetics (formerly Invitae), Labcorp); PubMed 29743074 (cited by Labcorp Genetics (formerly Invitae), Labcorp).